The following is an entry in ClinVar:

NM_012414.4(RAB3GAP2):c.3400G>A (p.Val1134Met)

Gene: RAB3GAP2 (RAB3 GTPase activating non-catalytic protein subunit 2; minus strand). Cytogenetic location: 1q41.
Variant type: single nucleotide variant.
Coding change: c.3400G>A on transcript NM_012414.4 (MANE Select); coding-DNA position 3400, G replaced by A.
Protein change: p.Val1134Met; replaces valine 1134 with methionine.
Molecular consequence: missense variant.
Genome position (GRCh38, 1-based): chr1:220,157,425, C>T on the plus strand (G>A on the coding strand, the complement: RAB3GAP2 is on the minus strand). VCF-style: chr1-220157425-C-T. GRCh37 (hg19) VCF-style: chr1-220330767-C-T.
Other names: c.3400G>A (NM_012414.3); short protein forms V1134M.
Identifiers: ClinVar variation 1297635 (VCV001297635.8), dbSNP rs138489010, ClinGen allele CA1402126.

ClinVar aggregate classification (germline): Uncertain significance. Review status: criteria provided, multiple submitters, no conflicts (2 of 4 stars). 4 submissions from 4 submitters: Uncertain significance (2). 2 of the submissions do not count toward it. Last evaluated 2024-04-09.

Conditions:
Martsolf syndrome (MARTS). Also called: Congenital cataract with intellectual disability and hypogonadotropic hypogonadism syndrome. Identifiers: Orphanet 1387, MedGen C0796037, MONDO:0023910.
Warburg micro syndrome 2 (WARBM2). Also called: MICRO SYNDROME 2. Identifiers: Orphanet 2510, MedGen C3280214, MONDO:0013641, OMIM 614225.
Inborn genetic diseases. Identifiers: MedGen C0950123, MeSH D030342.

Allele frequency attached by ClinVar (database versions not stated): 1000 Genomes Project 30x 0.00016.
gnomAD v4.1: 91 of 1,613,986 alleles (0.0056%); highest among the groups gnomAD compares: South Asian, 0.021%; 1 homozygote.

Submissions (4):

Ambry Genetics
Classification: Uncertain significance for Inborn genetic diseases. Last evaluated: 2024-04-09. Review status: criteria provided, single submitter. Criteria: Ambry Variant Classification Scheme 2023. Collection method: clinical testing. Allele origin: germline.

Labcorp Genetics (formerly Invitae), Labcorp
Classification: Uncertain significance for Martsolf syndrome; Warburg micro syndrome 2. Last evaluated: 2023-10-03. Review status: criteria provided, single submitter. Criteria: Invitae Variant Classification Sherloc (09022015). Collection method: clinical testing. Allele origin: germline.
Comment: This sequence change replaces valine, which is neutral and non-polar, with methionine, which is neutral and non-polar, at codon 1134 of the RAB3GAP2 protein (p.Val1134Met). This variant is present in population databases (rs138489010, gnomAD 0.03%), including at least one homozygous and/or hemizygous individual. This variant has not been reported in the literature in individuals affected with RAB3GAP2-related conditions. ClinVar contains an entry for this variant (Variation ID: 1297635). Advanced modeling of protein sequence and biophysical properties (such as structural, functional, and spatial information, amino acid conservation, physicochemical variation, residue mobility, and thermodynamic stability) performed at Invitae indicates that this missense variant is not expected to disrupt RAB3GAP2 protein function. In summary, the available evidence is currently insufficient to determine the role of this variant in disease. Therefore, it has been classified as a Variant of Uncertain Significance.

Clinical Genetics DNA and cytogenetics Diagnostics Lab, Erasmus MC, Erasmus Medical Center
Classification: Uncertain significance. Review status: no assertion criteria provided. Collection method: clinical testing. Allele origin: germline. Affected: yes. Study: VKGL Data-share Consensus. Not counted in ClinVar's aggregate classification.

Joint Genome Diagnostic Labs from Nijmegen and Maastricht, Radboudumc and MUMC+
Classification: Uncertain significance. Review status: no assertion criteria provided. Collection method: clinical testing. Allele origin: germline. Affected: yes. Study: VKGL Data-share Consensus. Not counted in ClinVar's aggregate classification.